The following is an entry in ClinVar:

GRCh37/hg19 Xp21.2(chrX:30947295-31383813)x2

Genes: DMD (dystrophin; minus strand), FTHL17 (ferritin heavy chain like 17; minus strand). Cytogenetic location: Xp21.2.
Variant type: copy number gain.
Change: copy number 2 of chrX:30,947,295-31,383,813 (436.5 kb, GRCh37 coordinates, 1-based), cytogenetic band Xp21.2.
Identifiers: ClinVar variation 4277358 (VCV004277358.1).

ClinVar aggregate classification (germline): Uncertain significance (1 of 4 stars; one submission).

Submission:

Hunan Provincial Maternal and Child Health Care Hospital
Classification: Uncertain significance. Last evaluated: 2024-07-01. Review status: criteria provided, single submitter. Criteria: ACMG/ClinGen CNV Guidelines, 2019. Collection method: clinical testing. Allele origin: maternal. Inheritance: X-linked recessive inheritance. Affected: no.
Comment: This is a copy-number gain (GRCh37: g.30947295_31383813dup; ~436.5 kb) overlapping the exons 61–79 of the DMD. Without definitive evidence of deleterious gene disruption, and given the variable clinical consequences of duplications in this locus, classification is VUS under ACMG/ClinGen CNV guidance.